The following is an entry in ClinVar:

ClinVar aggregate classification (germline): Conflicting classifications of pathogenicity. Review status: criteria provided, conflicting classifications (1 of 4 stars). 3 submissions from 3 submitters: Uncertain significance (2); Likely benign (1). Last evaluated 2026-02-18.

Conditions:
Ehlers-Danlos syndrome, classic type, 1 (EDSCL1). Also called: EHLERS-DANLOS SYNDROME, GRAVIS TYPE; EHLERS-DANLOS SYNDROME, SEVERE CLASSIC TYPE; EDS I; Ehlers-Danlos Syndrome, Classic Type, COL5A1-Related; Ehlers-Danlos syndrome, type 1. Identifiers: MedGen C0268335, MONDO:0019567, OMIM 130000.
Familial thoracic aortic aneurysm and aortic dissection (TAAD). Also called: Thoracic aortic aneurysms and dissections. Identifiers: Orphanet 91387, MedGen C4707243, MONDO:0019625.

Allele frequency attached by ClinVar (database versions not stated): gnomAD exomes 0.00001; TOPMed 0.00001.
gnomAD v4.1: 5 of 1,614,138 alleles (0.00031%); highest among the groups gnomAD compares: Non-Finnish European, 0.00042%; no homozygotes.

Submissions (3):

Ambry Genetics
Classification: Likely benign for Familial thoracic aortic aneurysm and aortic dissection. Last evaluated: 2026-02-18. Review status: criteria provided, single submitter. Criteria: Ambry Variant Classification Scheme 2023. Collection method: clinical testing. Allele origin: germline.

Labcorp Genetics (formerly Invitae), Labcorp
Classification: Uncertain significance for Ehlers-Danlos syndrome, classic type, 1. Last evaluated: 2026-02-01. Review status: criteria provided, single submitter. Criteria: Invitae Variant Classification Sherloc (09022015). Collection method: clinical testing. Allele origin: germline.
Comment: This sequence change replaces threonine, which is neutral and polar, with asparagine, which is neutral and polar, at codon 1791 of the COL5A1 protein (p.Thr1791Asn). This variant is present in population databases (no rsID available, gnomAD 0.0009%). This variant has not been reported in the literature in individuals affected with COL5A1-related conditions. ClinVar contains an entry for this variant (Variation ID: 1003860). Experimental studies and prediction algorithms are not available or were not evaluated, and the functional significance of this variant is currently unknown. In summary, the available evidence is currently insufficient to determine the role of this variant in disease. Therefore, it has been classified as a Variant of Uncertain Significance.

GeneDx
Classification: Uncertain significance. Last evaluated: 2021-08-16. Review status: criteria provided, single submitter. Criteria: GeneDx Variant Classification Process June 2021. Collection method: clinical testing. Allele origin: germline. Affected: yes.
Comment: Not observed at a significant frequency in large population cohorts (Lek et al., 2016); In silico analysis supports that this missense variant does not alter protein structure/function; Reported in ClinVar but additional evidence is not available (ClinVar Variant ID 1003860; Landrum et al., 2016); Not located in the triple helical region, where the majority of pathogenic missense variants occur (Symoens et al., 2012; Stenson et al., 2014); Has not been previously published as pathogenic or benign to our knowledge; This variant is associated with the following publications: (PMID: 22696272, 24077912)

NM_000093.5(COL5A1):c.5372C>A (p.Thr1791Asn)

Genes: COL5A1 (collagen type V alpha 1 chain; plus strand), LOC101448202 (uncharacterized LOC101448202; minus strand). Cytogenetic location: 9q34.3.
Variant type: single nucleotide variant.
Coding change: c.5372C>A on transcript NM_000093.5 (MANE Select); coding-DNA position 5372, C replaced by A.
Protein change: p.Thr1791Asn; replaces threonine 1791 with asparagine.
Molecular consequence: missense variant.
Genome position (GRCh38, 1-based): chr9:134,842,158, C>A. VCF-style: chr9-134842158-C-A. GRCh37 (hg19) VCF-style: chr9-137734004-C-A.
Other names: c.5372C>A, p.Thr1791Asn (NM_001278074.1); short protein forms T1791N.
Identifiers: ClinVar variation 1003860 (VCV001003860.11), dbSNP rs1258210858, ClinGen allele CA375461690.